The following is an entry in ClinVar:

NM_201384.3(PLEC):c.11477G>A (p.Arg3826His)

Gene: PLEC (plectin; minus strand). Cytogenetic location: 8q24.3.
Variant type: single nucleotide variant.
Coding change: c.11477G>A on transcript NM_201384.3 (MANE Select); coding-DNA position 11477, G replaced by A.
Protein change: p.Arg3826His; replaces arginine 3826 with histidine.
Molecular consequence: missense variant.
Genome position (GRCh38, 1-based): chr8:143,918,344, C>T on the plus strand (G>A on the coding strand, the complement: PLEC is on the minus strand). VCF-style: chr8-143918344-C-T. GRCh37 (hg19) VCF-style: chr8-144992512-C-T.
Other names: c.11558G>A, p.Arg3853His (NM_000445.5); c.11435G>A, p.Arg3812His (NM_201378.4); c.11411G>A, p.Arg3804His (NM_201379.3); c.11888G>A, p.Arg3963His (NM_201380.4); c.11381G>A, p.Arg3794His (NM_201381.3); c.11477G>A, p.Arg3826His (NM_201382.4); c.11489G>A, p.Arg3830His (NM_201383.3); c.11558G>A (NM_000445.3); short protein forms R3794H, R3804H, R3812H, R3826H, R3830H, R3853H, R3963H.
Identifiers: ClinVar variation 487242 (VCV000487242.20), dbSNP rs782703019, ClinGen allele CA4924343.

ClinVar aggregate classification (germline): Uncertain significance. Review status: criteria provided, multiple submitters, no conflicts (2 of 4 stars). 5 submissions from 5 submitters: Uncertain significance (5). Last evaluated 2025-11-12.

Conditions:
Inborn genetic diseases. Identifiers: MedGen C0950123, MeSH D030342.
Autosomal recessive limb-girdle muscular dystrophy type 2Q (LGMDR17). Also called: MUSCULAR DYSTROPHY, LIMB-GIRDLE, AUTOSOMAL RECESSIVE 17. Identifiers: Orphanet 254361, MedGen C3150989, MONDO:0013390, OMIM 613723.
Epidermolysis bullosa simplex 5B, with muscular dystrophy (EBS5B). Also called: EPIDERMOLYSIS BULLOSA SIMPLEX AND LIMB-GIRDLE MUSCULAR DYSTROPHY; Epidermolysis bullosa simplex with muscular dystrophy. Identifiers: Orphanet 257, MedGen C2931072, MONDO:0009181, OMIM 226670.
Epidermolysis bullosa simplex, Ogna type (EBS5A). Also called: Pidermolysis bullosa simplex 5A, Ogna type; EPIDERMOLYSIS BULLOSA SIMPLEX 5A, OGNA TYPE. Identifiers: Orphanet 79401, MedGen C0432317, MONDO:0007555, OMIM 131950.
Epidermolysis bullosa simplex with nail dystrophy (EBS5D). Identifiers: MedGen C4225309, MONDO:0014661, OMIM 616487.
Epidermolysis bullosa simplex 5C, with pyloric atresia (EBS5C). Also called: PLEC-Related Epidermolysis Bullosa with Pyloric Atresia; Epidermolysis bullosa simplex with pyloric atresia; PLEC1-Related Epidermolysis Bullosa with Pyloric Atresia. Identifiers: Orphanet 158684, MedGen C2677349, MONDO:0012807, OMIM 612138.
PLEC-related disorder. Also called: PLEC-related disorders; PLEC-related condition.

Allele frequency attached by ClinVar (database versions not stated): ExAC 0.00004; gnomAD exomes 0.00004 and 0.00006; TOPMed 0.00005; gnomAD 0.00006.
gnomAD v4.1: 98 of 1,579,262 alleles (0.0062%); highest among the groups gnomAD compares: Non-Finnish European, 0.0071%; no homozygotes.

Submissions (5):

Ambry Genetics
Classification: Uncertain significance for Inborn genetic diseases. Last evaluated: 2025-11-12. Review status: criteria provided, single submitter. Criteria: Ambry Variant Classification Scheme 2023. Collection method: clinical testing. Allele origin: germline.

Labcorp Genetics (formerly Invitae), Labcorp
Classification: Uncertain significance for Autosomal recessive limb-girdle muscular dystrophy type 2Q; Epidermolysis bullosa simplex, Ogna type; Epidermolysis bullosa simplex with nail dystrophy; Epidermolysis bullosa simplex 5C, with pyloric atresia; Epidermolysis bullosa simplex 5B, with muscular dystrophy. Last evaluated: 2025-11-11. Review status: criteria provided, single submitter. Criteria: Invitae Variant Classification Sherloc (09022015). Collection method: clinical testing. Allele origin: germline.
Comment: This sequence change replaces arginine, which is basic and polar, with histidine, which is basic and polar, at codon 3853 of the PLEC protein (p.Arg3853His). This variant is present in population databases (rs782703019, gnomAD 0.007%). This variant has not been reported in the literature in individuals affected with PLEC-related conditions. ClinVar contains an entry for this variant (Variation ID: 487242). An algorithm developed to predict the effect of missense changes on protein structure and function (PolyPhen-2) suggests that this variant is likely to be disruptive. In summary, the available evidence is currently insufficient to determine the role of this variant in disease. Therefore, it has been classified as a Variant of Uncertain Significance.

PreventionGenetics, part of Exact Sciences
Classification: Uncertain significance for PLEC-related condition. Last evaluated: 2025-05-02. Review status: criteria provided, single submitter. Criteria: ACMG Guidelines, 2015. Collection method: clinical testing. Allele origin: germline.
Comment: The PLEC c.11558G>A variant is predicted to result in the amino acid substitution p.Arg3853His. To our knowledge, this variant has not been reported in the literature. This variant is reported in 0.0066% of alleles in individuals of European (Non-Finnish) descent in gnomAD. At this time, the clinical significance of this variant is uncertain due to the absence of conclusive functional and genetic evidence.

Revvity Omics, Revvity
Classification: Uncertain significance. Last evaluated: 2019-10-10. Review status: criteria provided, single submitter. Criteria: ACMG Guidelines, 2015. Collection method: clinical testing. Allele origin: germline.

Eurofins Ntd Llc (ga)
Classification: Uncertain significance. Last evaluated: 2018-04-25. Review status: criteria provided, single submitter. Criteria: EGL ClinVar v180209 classification definitions. Collection method: clinical testing. Allele origin: germline. Observed: 3 variant alleles, 3 heterozygotes.